The following is an entry in ClinVar:

NM_199242.3(UNC13D):c.1663_1664del (p.Leu556fs)

Gene: UNC13D (unc-13 homolog D; minus strand). Cytogenetic location: 17q25.1.
Variant type: Microsatellite.
Coding change: c.1663_1664del on transcript NM_199242.3 (MANE Select); coding-DNA positions 1663 to 1664, 2 bases deleted (AG; older notation c.1663_1664delAG).
Protein change: p.Leu556fs; shifts the reading frame from leucine 556.
Molecular consequence: frameshift variant.
Genome position (GRCh38, 1-based): chr17:75,835,710-75,835,711, CT deleted on the plus strand (AG on the coding strand, the reverse complement: UNC13D is on the minus strand); deleting any 2 consecutive bases within chr17:75,835,710-75,835,714 gives the same sequence; the c. name uses the placement nearest the transcript's 3' end. VCF-style (leftmost placement, unchanged base first): chr17-75835709-ACT-A. GRCh37 (hg19) VCF-style: chr17-73831790-ACT-A.
Other names: short protein forms L556fs.
Identifiers: ClinVar variation 2827120 (VCV002827120.3), dbSNP rs2545981626, ClinGen allele CA2739268428.
Genomic context (GRCh38, chr17:75,835,709, plus strand): 5'-CTCTGAGGAGCTCATGCGCAGCTGGCAGAGCTCCTTGAGGCTGATGTAGAGCTGGAACAG[ACT>A]CTCGCCCATCTCTGGGGACACTACATCACCCACAACCGTCGTGTGGTCCTGCACCCGCTT-3'

ClinVar aggregate classification (germline): Pathogenic (1 of 4 stars; one submission).

Conditions:
Familial hemophagocytic lymphohistiocytosis 3 (FHL3). Also called: UNC13D-Related Familial Hemophagocytic Lymphohistiocytosis (UNC13D-fHLH). Identifiers: Orphanet 540, MedGen C1837174, MONDO:0012146, OMIM 608898.

Submission:

Labcorp Genetics (formerly Invitae), Labcorp
Classification: Pathogenic for Familial hemophagocytic lymphohistiocytosis 3. Last evaluated: 2023-01-08. Review status: criteria provided, single submitter. Criteria: Invitae Variant Classification Sherloc (09022015). Collection method: clinical testing. Allele origin: germline.
Comment: For these reasons, this variant has been classified as Pathogenic. This variant has not been reported in the literature in individuals affected with UNC13D-related conditions. This variant is not present in population databases (gnomAD no frequency). This sequence change creates a premature translational stop signal (p.Leu556Valfs*28) in the UNC13D gene. It is expected to result in an absent or disrupted protein product. Loss-of-function variants in UNC13D are known to be pathogenic (PMID: 14622600).

Literature cited by the submitters: PubMed 14622600.